The following is an entry in ClinVar:

ClinVar aggregate classification (germline): Uncertain significance (1 of 4 stars; one submission).

Allele frequency attached by ClinVar (database versions not stated): TOPMed 0.00001; gnomAD 0.00002.
gnomAD v4.1: 6 of 1,565,894 alleles (0.00038%); highest among the groups gnomAD compares: Admixed American, 0.0019%; no homozygotes.

Submission:

Labcorp Genetics (formerly Invitae), Labcorp
Classification: Uncertain significance. Last evaluated: 2025-11-05. Review status: criteria provided, single submitter. Criteria: Invitae Variant Classification Sherloc (09022015). Collection method: clinical testing. Allele origin: germline.
Comment: This sequence change falls in intron 2 of the TCF3 gene. It does not directly change the encoded amino acid sequence of the TCF3 protein. It affects a nucleotide within the consensus splice site. The frequency data for this variant in the population databases is considered unreliable, as metrics indicate poor data quality at this position in the gnomAD database. This variant has been observed in individual(s) with agammaglobulinemia (internal data). ClinVar contains an entry for this variant (Variation ID: 837192). Variants that disrupt the consensus splice site are a relatively common cause of aberrant splicing (PMID: 17576681, 9536098). Algorithms developed to predict the effect of sequence changes on RNA splicing suggest that this variant may disrupt the consensus splice site. In summary, the available evidence is currently insufficient to determine the role of this variant in disease. Therefore, it has been classified as a Variant of Uncertain Significance.

Literature cited by the submitters: PubMed 17576681; PubMed 9536098.

NM_003200.5(TCF3):c.72+5G>T

Gene: TCF3 (transcription factor 3; minus strand). Cytogenetic location: 19p13.3.
Variant type: single nucleotide variant.
Coding change: c.72+5G>T on transcript NM_003200.5 (MANE Select); 5 bases into the intron after coding-DNA position 72, G replaced by T.
Molecular consequence: intron variant.
Genome position (GRCh38, 1-based): chr19:1,650,172, C>A on the plus strand (G>T on the coding strand, the complement: TCF3 is on the minus strand). VCF-style: chr19-1650172-C-A. GRCh37 (hg19) VCF-style: chr19-1650171-C-A.
Other names: c.72+5G>T (NM_001351778.2, NM_001136139.4, NM_001351779.2).
Identifiers: ClinVar variation 837192 (VCV000837192.9), dbSNP rs1040094711, ClinGen allele CA304109870.
Genomic context (GRCh38, chr19:1,650,172, plus strand): 5'-GAAAACCTTCCCGTGAACTGTGGAGGCAAAGGGGTGTCGGGGGCTGGGCGGGGGTCCTGG[C>A]TCACCATGCTGAAGTCCAGGAGGTCACTGAGCTCCTTGTCTGTGCCCACAGGCGCCATCC-3'